The following is an entry in ClinVar:

ClinVar aggregate classification (germline): Uncertain significance (1 of 4 stars; one submission).

Submission:

Labcorp Genetics (formerly Invitae), Labcorp
Classification: Uncertain significance. Last evaluated: 2025-05-07. Review status: criteria provided, single submitter. Criteria: Invitae Variant Classification Sherloc (09022015). Collection method: clinical testing. Allele origin: germline.
Comment: This sequence change replaces cysteine, which is neutral and slightly polar, with phenylalanine, which is neutral and non-polar, at codon 1085 of the SAMD9 protein (p.Cys1085Phe). Information on the frequency of this variant in the gnomAD database is not available, as this variant may be reported differently in the database. This variant has not been reported in the literature in individuals affected with SAMD9-related conditions. An algorithm developed to predict the effect of missense changes on protein structure and function (PolyPhen-2) suggests that this variant is likely to be tolerated. In summary, the available evidence is currently insufficient to determine the role of this variant in disease. Therefore, it has been classified as a Variant of Uncertain Significance.

NM_017654.4(SAMD9):c.3254_3255delinsTT (p.Cys1085Phe)

Gene: SAMD9 (sterile alpha motif domain containing 9; minus strand). Cytogenetic location: 7q21.2.
Variant type: Indel.
Coding change: c.3254_3255delinsTT on transcript NM_017654.4 (MANE Select); coding-DNA positions 3254 to 3255, GC replaced by TT.
Protein change: p.Cys1085Phe; replaces cysteine 1085 with phenylalanine.
Molecular consequence: missense variant.
Genome position (GRCh38, 1-based): chr7:93,102,843-93,102,844, GC replaced by AA on the plus strand (GC replaced by TT on the coding strand, the reverse complement: SAMD9 is on the minus strand). VCF-style: chr7-93102843-GC-AA. GRCh37 (hg19) VCF-style: chr7-92732156-GC-AA.
Other names: c.3254_3255delinsTT, p.Cys1085Phe (NM_001193307.2); short protein forms C1085F.
Identifiers: ClinVar variation 4718677 (VCV004718677.1).